The following is an entry in ClinVar:

ClinVar aggregate classification (germline): Uncertain significance (1 of 4 stars; one submission).

Allele frequency attached by ClinVar (database versions not stated): TOPMed 0.00003; ExAC 0.00005; gnomAD 0.00008; gnomAD exomes 0.00012; 1000 Genomes Project 30x 0.00031; 1000 Genomes Project 0.00040.

Submission:

Labcorp Genetics (formerly Invitae), Labcorp
Classification: Uncertain significance. Last evaluated: 2025-05-26. Review status: criteria provided, single submitter. Criteria: Invitae Variant Classification Sherloc (09022015). Collection method: clinical testing. Allele origin: germline.
Comment: This sequence change replaces glycine, which is neutral and non-polar, with serine, which is neutral and polar, at codon 229 of the CD151 protein (p.Gly229Ser). This variant is present in population databases (rs201597386, gnomAD 0.01%). This variant has not been reported in the literature in individuals affected with CD151-related conditions. ClinVar contains an entry for this variant (Variation ID: 2071235). An algorithm developed to predict the effect of missense changes on protein structure and function (PolyPhen-2) suggests that this variant is likely to be disruptive. In summary, the available evidence is currently insufficient to determine the role of this variant in disease. Therefore, it has been classified as a Variant of Uncertain Significance.

NM_004357.5(CD151):c.685G>A (p.Gly229Ser)

Gene: CD151 (CD151 molecule (Raph blood group); plus strand). Cytogenetic location: 11p15.5.
Variant type: single nucleotide variant.
Coding change: c.685G>A on transcript NM_004357.5 (MANE Select); coding-DNA position 685, G replaced by A.
Protein change: p.Gly229Ser; replaces glycine 229 with serine.
Molecular consequence: missense variant.
Genome position (GRCh38, 1-based): chr11:838,011, G>A. VCF-style: chr11-838011-G-A. GRCh37 (hg19) VCF-style: chr11-838011-G-A.
Other names: c.685G>A, p.Gly229Ser (NM_001039490.2, NM_139029.2, NM_139030.4); short protein forms G229S.
Identifiers: ClinVar variation 2071235 (VCV002071235.4), dbSNP rs201597386, ClinGen allele CA5792336.